The following is an entry in ClinVar:

ClinVar aggregate classification (germline): Uncertain significance. Review status: criteria provided, multiple submitters, no conflicts (2 of 4 stars). 3 submissions from 3 submitters: Uncertain significance (2). 1 of the submissions does not count toward it. Last evaluated 2025-08-30.

Conditions:
Inborn genetic diseases. Identifiers: MedGen C0950123, MeSH D030342.
Neuronal ceroid lipofuscinosis 1 (CLN1). Also called: CEROID LIPOFUSCINOSIS, NEURONAL, 1, VARIABLE AGE AT ONSET; PPT1-Related Neuronal Ceroid-Lipofuscinosis. Identifiers: Orphanet 228329, MedGen C1850451, MONDO:0009744, OMIM 256730.

Allele frequency attached by ClinVar (database versions not stated): gnomAD exomes below 0.00001 and 0.00002; ExAC 0.00001; gnomAD 0.00001; TOPMed 0.00001.

Submissions (3):

Ambry Genetics
Classification: Uncertain significance for Inborn genetic diseases. Last evaluated: 2025-08-30. Review status: criteria provided, single submitter. Criteria: Ambry Variant Classification Scheme 2023. Collection method: clinical testing. Allele origin: germline.

Labcorp Genetics (formerly Invitae), Labcorp
Classification: Uncertain significance for Neuronal ceroid lipofuscinosis 1. Last evaluated: 2022-06-27. Review status: criteria provided, single submitter. Criteria: Invitae Variant Classification Sherloc (09022015). Collection method: clinical testing. Allele origin: germline.
Comment: In summary, the available evidence is currently insufficient to determine the role of this variant in disease. Therefore, it has been classified as a Variant of Uncertain Significance. Advanced modeling of protein sequence and biophysical properties (such as structural, functional, and spatial information, amino acid conservation, physicochemical variation, residue mobility, and thermodynamic stability) performed at Invitae indicates that this missense variant is expected to disrupt PPT1 protein function. ClinVar contains an entry for this variant (Variation ID: 1007785). This variant has not been reported in the literature in individuals affected with PPT1-related conditions. This variant is present in population databases (rs760784114, gnomAD 0.007%). This sequence change replaces phenylalanine, which is neutral and non-polar, with serine, which is neutral and polar, at codon 147 of the PPT1 protein (p.Phe147Ser).

Natera, Inc.
Classification: Uncertain significance for Neuronal ceroid lipofuscinosis 1. Last evaluated: 2025-03-10. Review status: no assertion criteria provided. Collection method: clinical testing. Allele origin: germline. Not counted in ClinVar's aggregate classification.

NM_000310.4(PPT1):c.440T>C (p.Phe147Ser)

Gene: PPT1 (palmitoyl-protein thioesterase 1; minus strand). Cytogenetic location: 1p34.2.
Variant type: single nucleotide variant.
Coding change: c.440T>C on transcript NM_000310.4 (MANE Select); coding-DNA position 440, T replaced by C.
Protein change: p.Phe147Ser; replaces phenylalanine 147 with serine.
Molecular consequence: missense variant.
Genome position (GRCh38, 1-based): chr1:40,089,506, A>G on the plus strand (T>C on the coding strand, the complement: PPT1 is on the minus strand). VCF-style: chr1-40089506-A-G. GRCh37 (hg19) VCF-style: chr1-40555178-A-G.
Other names: c.440T>C (NM_000310.3); c.131T>C, p.Phe44Ser (NM_001142604.2); c.440T>C, p.Phe147Ser (NM_001363695.2); short protein forms F147S, F44S.
Identifiers: ClinVar variation 1007785 (VCV001007785.8), dbSNP rs760784114, ClinGen allele CA789688.